The following is an entry in ClinVar:

NM_000781.3(CYP11A1):c.1487C>T (p.Thr496Ile)

Gene: CYP11A1 (cytochrome P450 family 11 subfamily A member 1; minus strand). Cytogenetic location: 15q24.1.
Variant type: single nucleotide variant.
Coding change: c.1487C>T on transcript NM_000781.3 (MANE Select); coding-DNA position 1487, C replaced by T.
Protein change: p.Thr496Ile; replaces threonine 496 with isoleucine.
Molecular consequence: missense variant.
Genome position (GRCh38, 1-based): chr15:74,338,051, G>A on the plus strand (C>T on the coding strand, the complement: CYP11A1 is on the minus strand). VCF-style: chr15-74338051-G-A. GRCh37 (hg19) VCF-style: chr15-74630392-G-A.
Other names: c.1013C>T, p.Thr338Ile (NM_001099773.2); short protein forms T338I, T496I.
Identifiers: ClinVar variation 4809676 (VCV004809676.1).

ClinVar aggregate classification (germline): Uncertain significance (1 of 4 stars; one submission).

gnomAD v4.1: 1 of 1,614,188 alleles (0.000062%); highest among the groups gnomAD compares: Non-Finnish European, 0.000085%; no homozygotes.

Submission:

Labcorp Genetics (formerly Invitae), Labcorp
Classification: Uncertain significance. Last evaluated: 2026-01-14. Review status: criteria provided, single submitter. Criteria: Invitae Variant Classification Sherloc (09022015). Collection method: clinical testing. Allele origin: germline.
Comment: This sequence change replaces threonine, which is neutral and polar, with isoleucine, which is neutral and non-polar, at codon 496 of the CYP11A1 protein (p.Thr496Ile). This variant is not present in population databases (gnomAD no frequency). This variant has not been reported in the literature in individuals affected with CYP11A1-related conditions. Invitae Evidence Modeling of protein sequence and biophysical properties (such as structural, functional, and spatial information, amino acid conservation, physicochemical variation, residue mobility, and thermodynamic stability) indicates that this missense variant is not expected to disrupt CYP11A1 protein function with a negative predictive value of 95%. In summary, the available evidence is currently insufficient to determine the role of this variant in disease. Therefore, it has been classified as a Variant of Uncertain Significance.